The following is an entry in ClinVar:

NM_003227.4(TFR2):c.1129C>T (p.Pro377Ser)

Gene: TFR2 (transferrin receptor 2; minus strand). Cytogenetic location: 7q22.1.
Variant type: single nucleotide variant.
Coding change: c.1129C>T on transcript NM_003227.4 (MANE Select); coding-DNA position 1129, C replaced by T.
Protein change: p.Pro377Ser; replaces proline 377 with serine.
Molecular consequence: missense variant.
Genome position (GRCh38, 1-based): chr7:100,631,030, G>A on the plus strand (C>T on the coding strand, the complement: TFR2 is on the minus strand). VCF-style: chr7-100631030-G-A. GRCh37 (hg19) VCF-style: chr7-100228653-G-A.
Other names: c.616C>T, p.Pro206Ser (NM_001206855.3); short protein forms P377S, P206S.
Identifiers: ClinVar variation 530394 (VCV000530394.7), dbSNP rs778433259, ClinGen allele CA4386560.
Genomic context (GRCh38, chr7:100,631,030, plus strand): 5'-GTCGTGGCCCGGGGCCCAGGTGATAAGGGGAGCCTAGGAGGCTCCCCTGCCATTCTTGGG[G>A]GGCCACAGGGCCTTTGAGCTTCCTGGAGAGGAGGAAGGCAGAAAGGGGGAAGTTGTAGAG-3'
Protein context (NP_003218.2, residues 367-387): LLRKLKGPVA[Pro377Ser]QEWQGSLLGS

ClinVar aggregate classification (germline): Uncertain significance. Review status: criteria provided, single submitter (1 of 4 stars). 2 submissions from 2 submitters: Uncertain significance (1). 1 of the submissions does not count toward it. Last evaluated 2021-09-01.

Conditions:
Hereditary hemochromatosis (HFE). Identifiers: MedGen C0392514, MONDO:0006507. Disease mechanism: loss of function.
Hemochromatosis type 3 (HFE3). Also called: Hereditary hemochromatosis type 3; HEMOCHROMATOSIS DUE TO DEFECT IN TRANSFERRIN RECEPTOR 2; TFR2-Related Hemochromatosis. Identifiers: Orphanet 225123, MedGen C1858664, MONDO:0011417, OMIM 604250.

Allele frequency attached by ClinVar (database versions not stated): ExAC 0.00001; gnomAD 0.00001; gnomAD exomes 0.00001; TOPMed 0.00002.
gnomAD v4.1: 18 of 1,592,694 alleles (0.0011%); highest among the groups gnomAD compares: Non-Finnish European, 0.0015%; no homozygotes.

Submissions (2):

Labcorp Genetics (formerly Invitae), Labcorp
Classification: Uncertain significance for Hereditary hemochromatosis. Last evaluated: 2021-09-01. Review status: criteria provided, single submitter. Criteria: Invitae Variant Classification Sherloc (09022015). Collection method: clinical testing. Allele origin: germline.
Comment: This sequence change replaces proline with serine at codon 377 of the TFR2 protein (p.Pro377Ser). The proline residue is highly conserved and there is a moderate physicochemical difference between proline and serine. The frequency data for this variant in the population databases is considered unreliable, as metrics indicate poor data quality at this position in the ExAC database. This variant has not been reported in the literature in individuals affected with TFR2-related conditions. Algorithms developed to predict the effect of missense changes on protein structure and function (SIFT, PolyPhen-2, Align-GVGD) all suggest that this variant is likely to be disruptive. In summary, the available evidence is currently insufficient to determine the role of this variant in disease. Therefore, it has been classified as a Variant of Uncertain Significance.

Natera, Inc.
Classification: Uncertain significance for Hereditary hemochromatosis type 3. Last evaluated: 2020-09-11. Review status: no assertion criteria provided. Collection method: clinical testing. Allele origin: germline. Not counted in ClinVar's aggregate classification.